The following is an entry in ClinVar:

ClinVar aggregate classification (germline): Conflicting classifications of pathogenicity. Review status: criteria provided, conflicting classifications (1 of 4 stars). 2 submissions from 2 submitters: Uncertain significance (1); Likely benign (1). Last evaluated 2023-02-01.

Allele frequency attached by ClinVar (database versions not stated): TOPMed 0.00007; ESP Exome Variant Server 0.00009; ExAC 0.00015.
gnomAD v4.1: 278 of 1,045,128 alleles (0.027%); highest among the groups gnomAD compares: South Asian, 0.038%; no homozygotes.

Submissions (2):

CeGaT Center for Human Genetics Tuebingen
Classification: Likely benign. Last evaluated: 2023-02-01. Review status: criteria provided, single submitter. Criteria: CeGaT Center For Human Genetics Tuebingen Variant Classification Criteria Version 2. Collection method: clinical testing. Allele origin: germline. Affected: yes. Observed: 1 variant allele.
Comment: MCF2: BP4, BS2

Ambry Genetics
Classification: Uncertain significance. Last evaluated: 2022-11-01. Review status: criteria provided, single submitter. Criteria: Ambry Variant Classification Scheme 2023. Collection method: clinical testing. Allele origin: germline.

NM_001171876.2(MCF2):c.1184G>A (p.Arg395His)

Gene: MCF2 (MCF.2 cell line derived transforming sequence; minus strand). Cytogenetic location: Xq27.1.
Variant type: single nucleotide variant.
Coding change: c.1184G>A on transcript NM_001171876.2 (MANE Select); coding-DNA position 1184, G replaced by A.
Protein change: p.Arg395His; replaces arginine 395 with histidine.
Molecular consequence: missense variant.
Genome position (GRCh38, 1-based): chrX:139,616,469, C>T on the plus strand (G>A on the coding strand, the complement: MCF2 is on the minus strand). VCF-style: chrX-139616469-C-T. GRCh37 (hg19) VCF-style: chrX-138698628-C-T.
Other names: c.1184G>A, p.Arg395His (NM_001099855.2); c.887G>A, p.Arg296His (NM_001171877.2); c.1004G>A, p.Arg335His (NM_001171878.2, NM_001171879.2, NM_005369.6); short protein forms R335H, R296H, R395H.
Identifiers: ClinVar variation 2386197 (VCV002386197.26), dbSNP rs200810024, ClinGen allele CA10530309.